The following is an entry in ClinVar:

NM_170606.3(KMT2C):c.9931C>T (p.Leu3311Phe)

Gene: KMT2C (lysine methyltransferase 2C; minus strand). Cytogenetic location: 7q36.1.
Variant type: single nucleotide variant.
Coding change: c.9931C>T on transcript NM_170606.3 (MANE Select); coding-DNA position 9931, C replaced by T.
Protein change: p.Leu3311Phe; replaces leucine 3311 with phenylalanine.
Molecular consequence: missense variant.
Genome position (GRCh38, 1-based): chr7:152,163,646, G>A on the plus strand (C>T on the coding strand, the complement: KMT2C is on the minus strand). VCF-style: chr7-152163646-G-A. GRCh37 (hg19) VCF-style: chr7-151860731-G-A.
Other names: c.9931C>T (NM_170606.2); short protein forms L3311F.
Identifiers: ClinVar variation 134794 (VCV000134794.45), dbSNP rs139610952, ClinGen allele CA160757.

ClinVar aggregate classification (germline): Benign/Likely benign. Review status: criteria provided, multiple submitters, no conflicts (2 of 4 stars). 7 submissions from 7 submitters: Benign (1); Likely benign (4). 2 of the submissions do not count toward it. Last evaluated 2026-08-01.

Conditions:
KMT2C-related disorder. Also called: KMT2C-related condition; KMT2C-related disorders.
Inborn genetic diseases. Identifiers: MedGen C0950123, MeSH D030342.

Allele frequency attached by ClinVar (database versions not stated): ExAC 0.00030; gnomAD exomes 0.00030 and 0.00033; gnomAD 0.00039 and 0.00043; TOPMed 0.00040; ESP Exome Variant Server 0.00062.
gnomAD v4.1: 504 of 1,613,024 alleles (0.031%); highest among the groups gnomAD compares: Non-Finnish European, 0.037%; no homozygotes.

Submissions (7):

CeGaT Center for Human Genetics Tuebingen
Classification: Benign. Last evaluated: 2026-08-01. Review status: criteria provided, single submitter. Criteria: CeGaT Center For Human Genetics Tuebingen Variant Classification Criteria Version 2. Collection method: clinical testing. Allele origin: germline. Affected: yes. Observed: 10 variant alleles.
Comment: KMT2C: BS1, BS2

Labcorp Genetics (formerly Invitae), Labcorp
Classification: Likely benign. Last evaluated: 2025-11-02. Review status: criteria provided, single submitter. Criteria: Invitae Variant Classification Sherloc (09022015). Collection method: clinical testing. Allele origin: germline.

Laboratory of Genetics, Children's Clinical University Hospital Latvia
Classification: Likely benign. Last evaluated: 2025-02-16. Review status: criteria provided, single submitter. Criteria: ACMG Guidelines, 2015. Collection method: clinical testing. Allele origin: germline. Affected: yes.

Blueprint Genetics
Classification: Likely benign. Last evaluated: 2024-11-01. Review status: criteria provided, single submitter. Criteria: ACMG Guidelines, 2015. Collection method: clinical testing. Allele origin: germline.

Ambry Genetics
Classification: Likely benign for Inborn genetic diseases. Last evaluated: 2021-08-04. Review status: criteria provided, single submitter. Criteria: Ambry Variant Classification Scheme 2023. Collection method: clinical testing. Allele origin: germline.

PreventionGenetics, part of Exact Sciences
Classification: Likely benign for KMT2C-related condition. Last evaluated: 2023-12-26. Review status: no assertion criteria provided. Collection method: clinical testing. Allele origin: germline. Not counted in ClinVar's aggregate classification.
Comment: This variant is classified as likely benign based on ACMG/AMP sequence variant interpretation guidelines (Richards et al. 2015 PMID: 25741868, with internal and published modifications).

ITMI
No classification provided. Condition: AllHighlyPenetrant. Last evaluated: 2013-09-19. Review status: no classification provided. Collection method: reference population. Allele origin: germline. Not counted in ClinVar's aggregate classification.
Comment: Please see associated publication for description of ethnicities

Literature cited by the submitters: PubMed 24728327 (cited by ITMI).